The following is an entry in ClinVar:

NM_003001.5(SDHC):c.97_98dup (p.Ala34fs)

Gene: SDHC (succinate dehydrogenase complex subunit C; plus strand). Cytogenetic location: 1q23.3.
Variant type: Duplication.
Coding change: c.97_98dup on transcript NM_003001.5 (MANE Select); coding-DNA positions 97 to 98, 2 bases duplicated (AC; older notation c.97_98dupAC).
Protein change: p.Ala34fs; shifts the reading frame from alanine 34.
Molecular consequence: frameshift variant. On other transcripts: 5 prime UTR variant (2), non-coding transcript variant (1), intron variant (4).
Genome position (GRCh38, 1-based): chr1:161,328,415-161,328,416, AC duplicated; duplicating any 2 consecutive bases within chr1:161,328,414-161,328,416 gives the same sequence; the c. name uses the placement nearest the transcript's 3' end. VCF-style (leftmost placement, unchanged base first): chr1-161328413-C-CCA. GRCh37 (hg19) VCF-style: chr1-161298203-C-CCA.
Other names: c.97_98dupAC (NM_003001.3); c.97_98dup, p.Ala34fs (NM_001035511.3, NM_001407115.1); c.40_41dup, p.Ala15fs (NM_001407116.1, NM_001407117.1, NM_001407121.1); c.-15_-14dup (NM_001407119.1, NM_001407120.1); c.77+4745_77+4746dup (NM_001035512.3, NM_001278172.3, NM_001407118.1); c.21-12179_21-12178dup (NM_001035513.3); short protein forms A34fs, A15fs.
Identifiers: ClinVar variation 1767917 (VCV001767917.3), dbSNP rs2526364101, ClinGen allele CA2580061309.
Genomic context (GRCh38, chr1:161,328,413, plus strand): 5'-AGTTTACTTTTAGTTATTTTCAAACGGTCTGGTTTTATTTTAGTGCTGTTCCTTTGGGAA[C>CCA]CACGGCCAAAGAAGAGATGGAGCGGTTCTGGAATAAGAATATAGGTTCAAACCGTCCTCT-3'

ClinVar aggregate classification (germline): Pathogenic. Review status: criteria provided, multiple submitters, no conflicts (2 of 4 stars). 2 submissions from 2 submitters: Pathogenic (2). Last evaluated 2024-12-04.

Conditions:
Hereditary cancer-predisposing syndrome. Also called: Hereditary Cancer Syndrome; Hereditary neoplastic syndrome; Neoplastic Syndromes, Hereditary; Tumor predisposition. Identifiers: Orphanet 140162, MedGen C0027672, MeSH D009386, MONDO:0015356.
Pheochromocytoma/paraganglioma syndrome 3. Also called: GLOMUS TUMORS, FAMILIAL, 3; Paragangliomas 3; SDHC-Related Hereditary Paraganglioma-Pheochromocytoma Syndrome (Paragangliomas 3); SDHC-Related Hereditary Paraganglioma-Pheochromocytoma Syndrome. Identifiers: Orphanet 29072, MedGen C1854336, MONDO:0011544, OMIM 605373.

Submissions (2):

Myriad Genetics, Inc.
Classification: Pathogenic for Pheochromocytoma/paraganglioma syndrome 3. Last evaluated: 2024-12-04. Review status: criteria provided, single submitter. Criteria: Myriad Autosomal Dominant, Autosomal Recessive and X-Linked Classification Criteria (2023). Collection method: clinical testing. Allele origin: unknown.
Comment: This variant is considered pathogenic. This variant creates a frameshift predicted to result in premature protein truncation.

Ambry Genetics
Classification: Pathogenic for Hereditary cancer-predisposing syndrome. Last evaluated: 2022-09-12. Review status: criteria provided, single submitter. Criteria: Ambry Variant Classification Scheme 2023. Collection method: clinical testing. Allele origin: germline.
Comment: The c.97_98dupAC pathogenic mutation, located in coding exon 3 of the SDHC gene, results from a duplication of AC at nucleotide position 97, causing a translational frameshift with a predicted alternate stop codon (p.A34Rfs*14). This alteration is expected to result in loss of function by premature protein truncation or nonsense-mediated mRNA decay. As such, this alteration is interpreted as a disease-causing mutation.